The following is an entry in ClinVar:

ClinVar aggregate classification (germline): Uncertain significance (1 of 4 stars; one submission).

Allele frequency attached by ClinVar (database versions not stated): gnomAD 0.00001; 1000 Genomes Project 30x 0.00016; 1000 Genomes Project 0.00020.

Submission:

Labcorp Genetics (formerly Invitae), Labcorp
Classification: Uncertain significance. Last evaluated: 2023-03-22. Review status: criteria provided, single submitter. Criteria: Invitae Variant Classification Sherloc (09022015). Collection method: clinical testing. Allele origin: germline.
Comment: In summary, the available evidence is currently insufficient to determine the role of this variant in disease. Therefore, it has been classified as a Variant of Uncertain Significance. This variant is not present in population databases (gnomAD no frequency). This sequence change falls in intron 8 of the GALNT12 gene. It does not directly change the encoded amino acid sequence of the GALNT12 protein. This variant has not been reported in the literature in individuals affected with GALNT12-related conditions. Algorithms developed to predict the effect of sequence changes on RNA splicing suggest that this variant may create or strengthen a splice site.

NM_024642.5(GALNT12):c.1459-10C>A

Gene: GALNT12 (polypeptide N-acetylgalactosaminyltransferase 12; plus strand). Cytogenetic location: 9q22.33.
Variant type: single nucleotide variant.
Coding change: c.1459-10C>A on transcript NM_024642.5 (MANE Select); 10 bases into the intron before coding-DNA position 1459, C replaced by A.
Molecular consequence: intron variant.
Genome position (GRCh38, 1-based): chr9:98,845,967, C>A. VCF-style: chr9-98845967-C-A. GRCh37 (hg19) VCF-style: chr9-101608249-C-A.
Identifiers: ClinVar variation 2845695 (VCV002845695.3), dbSNP rs536735094, ClinGen allele CA5154292.
Genomic context (GRCh38, chr9:98,845,967, plus strand): 5'-GTCCAGCGATCTTTCCTCTTCCCACATCAGTGGAAAATGTTGTGTTACATGTTGGCTGCC[C>A]CATTTTTAGTTTTTCGAGTACACGTCCCAGAAAGAAATACGCTATAACACCCACCAGCCT-3'